The following is an entry in ClinVar:

NM_001369.3(DNAH5):c.11938G>A (p.Glu3980Lys)

Gene: DNAH5 (dynein axonemal heavy chain 5; minus strand). Cytogenetic location: 5p15.2.
Variant type: single nucleotide variant.
Coding change: c.11938G>A on transcript NM_001369.3 (MANE Select); coding-DNA position 11938, G replaced by A.
Protein change: p.Glu3980Lys; replaces glutamic acid 3980 with lysine.
Molecular consequence: missense variant.
Genome position (GRCh38, 1-based): chr5:13,727,602, C>T on the plus strand (G>A on the coding strand, the complement: DNAH5 is on the minus strand). VCF-style: chr5-13727602-C-T. GRCh37 (hg19) VCF-style: chr5-13727711-C-T.
Other names: short protein forms E3980K.
Identifiers: ClinVar variation 578887 (VCV000578887.6), dbSNP rs1221618846, ClinGen allele CA359218286.

ClinVar aggregate classification (germline): Uncertain significance (1 of 4 stars; one submission).

Conditions:
Primary ciliary dyskinesia. Also called: Ciliary dyskinesia. Identifiers: Orphanet 244, MedGen C0008780, MONDO:0016575, HP:0012265.

Allele frequency attached by ClinVar (database versions not stated): TOPMed below 0.00001; gnomAD exomes below 0.00001.
gnomAD v4.1: 3 of 1,613,794 alleles (0.00019%); highest among the groups gnomAD compares: Non-Finnish European, 0.00025%; no homozygotes.

Submission:

Labcorp Genetics (formerly Invitae), Labcorp
Classification: Uncertain significance for Primary ciliary dyskinesia. Last evaluated: 2021-08-31. Review status: criteria provided, single submitter. Criteria: Invitae Variant Classification Sherloc (09022015). Collection method: clinical testing. Allele origin: germline.
Comment: This sequence change replaces glutamic acid with lysine at codon 3980 of the DNAH5 protein (p.Glu3980Lys). The glutamic acid residue is moderately conserved and there is a small physicochemical difference between glutamic acid and lysine. This variant is not present in population databases (ExAC no frequency). This variant has not been reported in the literature in individuals affected with DNAH5-related conditions. Algorithms developed to predict the effect of missense changes on protein structure and function are either unavailable or do not agree on the potential impact of this missense change (SIFT: "Tolerated"; PolyPhen-2: "Possibly Damaging"; Align-GVGD: "Class C0"). In summary, the available evidence is currently insufficient to determine the role of this variant in disease. Therefore, it has been classified as a Variant of Uncertain Significance.